The following is an entry in ClinVar:

ClinVar aggregate classification (germline): Uncertain significance. Review status: criteria provided, multiple submitters, no conflicts (2 of 4 stars). 2 submissions from 2 submitters: Uncertain significance (2). Last evaluated 2025-12-17.

Allele frequency attached by ClinVar (database versions not stated): TOPMed 0.00002; gnomAD exomes below 0.00001; gnomAD 0.00001.
gnomAD v4.1: 8 of 1,574,720 alleles (0.00051%); highest among the groups gnomAD compares: Admixed American, 0.0037%; no homozygotes.

Submissions (2):

Labcorp Genetics (formerly Invitae), Labcorp
Classification: Uncertain significance. Last evaluated: 2025-12-17. Review status: criteria provided, single submitter. Criteria: Invitae Variant Classification Sherloc (09022015). Collection method: clinical testing. Allele origin: germline.
Comment: This sequence change replaces arginine, which is basic and polar, with tryptophan, which is neutral and slightly polar, at codon 256 of the GATA5 protein (p.Arg256Trp). The frequency data for this variant in the population databases is considered unreliable, as metrics indicate poor data quality at this position in the gnomAD database. This variant has not been reported in the literature in individuals affected with GATA5-related conditions. ClinVar contains an entry for this variant (Variation ID: 1513533). Invitae Evidence Modeling of protein sequence and biophysical properties (such as structural, functional, and spatial information, amino acid conservation, physicochemical variation, residue mobility, and thermodynamic stability) indicates that this missense variant is expected to disrupt GATA5 protein function with a positive predictive value of 80%. In summary, the available evidence is currently insufficient to determine the role of this variant in disease. Therefore, it has been classified as a Variant of Uncertain Significance.

Ambry Genetics
Classification: Uncertain significance. Last evaluated: 2025-08-26. Review status: criteria provided, single submitter. Criteria: Ambry Variant Classification Scheme 2023. Collection method: clinical testing. Allele origin: germline.

NM_080473.5(GATA5):c.766C>T (p.Arg256Trp)

Gene: GATA5 (GATA binding protein 5; minus strand). Cytogenetic location: 20q13.33.
Variant type: single nucleotide variant.
Coding change: c.766C>T on transcript NM_080473.5 (MANE Select); coding-DNA position 766, C replaced by T.
Protein change: p.Arg256Trp; replaces arginine 256 with tryptophan.
Molecular consequence: missense variant.
Genome position (GRCh38, 1-based): chr20:62,466,485, G>A on the plus strand (C>T on the coding strand, the complement: GATA5 is on the minus strand). VCF-style: chr20-62466485-G-A. GRCh37 (hg19) VCF-style: chr20-61041541-G-A.
Other names: c.766C>T (NM_080473.4); short protein forms R256W.
Identifiers: ClinVar variation 1513533 (VCV001513533.10), dbSNP rs556876322, ClinGen allele CA9946200.